The following is an entry in ClinVar:

ClinVar aggregate classification (germline): Uncertain significance (1 of 4 stars; one submission).

Conditions:
Inborn genetic diseases. Identifiers: MedGen C0950123, MeSH D030342.

gnomAD v4.1: 1 of 1,613,672 alleles (0.000062%); highest among the groups gnomAD compares: Non-Finnish European, 0.000085%; no homozygotes.

Submission:

Ambry Genetics
Classification: Uncertain significance for Inborn genetic diseases. Last evaluated: 2025-01-03. Review status: criteria provided, single submitter. Criteria: Ambry Variant Classification Scheme 2023. Collection method: clinical testing. Allele origin: germline.
Comment: The p.M262V variant (also known as c.784A>G), located in coding exon 8 of the FANCA gene, results from an A to G substitution at nucleotide position 784. The methionine at codon 262 is replaced by valine, an amino acid with highly similar properties. This amino acid position is conserved. In addition, this alteration is predicted to be tolerated by in silico analysis. Based on the available evidence, the clinical significance of this variant remains unclear.

NM_000135.4(FANCA):c.784A>G (p.Met262Val)

Gene: FANCA (FA complementation group A; minus strand). Cytogenetic location: 16q24.3.
Variant type: single nucleotide variant.
Coding change: c.784A>G on transcript NM_000135.4 (MANE Select); coding-DNA position 784, A replaced by G.
Protein change: p.Met262Val; replaces methionine 262 with valine.
Molecular consequence: missense variant.
Genome position (GRCh38, 1-based): chr16:89,803,267, T>C on the plus strand (A>G on the coding strand, the complement: FANCA is on the minus strand). VCF-style: chr16-89803267-T-C. GRCh37 (hg19) VCF-style: chr16-89869675-T-C.
Other names: c.784A>G, p.Met262Val (NM_001018112.3, NM_001286167.3); c.688A>G, p.Met230Val (NM_001351830.2); short protein forms M230V, M262V.
Identifiers: ClinVar variation 3848076 (VCV003848076.1).
Genomic context (GRCh38, chr16:89,803,267, plus strand): 5'-GGAATAAGGACGGCTCCTTCCGCTAAACTCTTCACTTGACTTTTCCTCCTACCTGCGGCA[T>C]TTTTTCAGGCTCCACAGTTCTTCTCAGATCTGAGTTTTTCTGAAATCCCCTCAAAACAAA-3'
Protein context (NP_000126.2, residues 252-272): DLRRTVEPEK[Met262Val]PQVTVDVLQR